The following is an entry in ClinVar:

ClinVar aggregate classification (germline): Conflicting classifications of pathogenicity. Review status: criteria provided, conflicting classifications (1 of 4 stars). 5 submissions from 5 submitters: Uncertain significance (4); Likely benign (1). Last evaluated 2026-09-02.

Conditions:
DHCR24-related disorder. Also called: DHCR24-related condition.
Desmosterolosis. Identifiers: Orphanet 35107, MedGen C1865596, MONDO:0011217, OMIM 602398.

Allele frequency attached by ClinVar (database versions not stated): ESP Exome Variant Server 0.00062; 1000 Genomes Project 30x 0.00109; 1000 Genomes Project 0.00140; ExAC 0.00026; gnomAD 0.00049 and 0.00051; TOPMed 0.00057.
gnomAD v4.1: 227 of 1,613,880 alleles (0.014%); highest among the groups gnomAD compares: African/African-American, 0.22%; no homozygotes.

Submissions (5):

PreventionGenetics, part of Exact Sciences
Classification: Likely benign for DHCR24-related condition. Last evaluated: 2026-09-02. Review status: criteria provided, single submitter. Criteria: ACMG Guidelines, 2015. Collection method: clinical testing. Allele origin: germline.
Comment: This variant is classified as likely benign based on ACMG/AMP sequence variant interpretation guidelines (Richards et al. 2015 PMID: 25741868, with internal and published modifications).

Labcorp Genetics (formerly Invitae), Labcorp
Classification: Uncertain significance. Last evaluated: 2025-01-27. Review status: criteria provided, single submitter. Criteria: Invitae Variant Classification Sherloc (09022015). Collection method: clinical testing. Allele origin: germline.
Comment: This sequence change replaces valine, which is neutral and non-polar, with methionine, which is neutral and non-polar, at codon 155 of the DHCR24 protein (p.Val155Met). This variant is present in population databases (rs138933459, gnomAD 0.2%). This variant has not been reported in the literature in individuals affected with DHCR24-related conditions. ClinVar contains an entry for this variant (Variation ID: 1310018). Invitae Evidence Modeling of protein sequence and biophysical properties (such as structural, functional, and spatial information, amino acid conservation, physicochemical variation, residue mobility, and thermodynamic stability) indicates that this missense variant is expected to disrupt DHCR24 protein function with a positive predictive value of 80%. In summary, the available evidence is currently insufficient to determine the role of this variant in disease. Therefore, it has been classified as a Variant of Uncertain Significance.

Blueprint Genetics
Classification: Uncertain significance. Last evaluated: 2024-07-02. Review status: criteria provided, single submitter. Criteria: ACMG Guidelines, 2015. Collection method: clinical testing. Allele origin: germline.

Fulgent Genetics
Classification: Uncertain significance for Desmosterolosis. Last evaluated: 2021-07-14. Review status: criteria provided, single submitter. Criteria: ACMG Guidelines, 2015. Collection method: clinical testing. Allele origin: unknown.

GeneDx
Classification: Uncertain significance. Last evaluated: 2019-11-12. Review status: criteria provided, single submitter. Criteria: GeneDx Variant Classification Process June 2021. Collection method: clinical testing. Allele origin: germline. Affected: yes.
Comment: In silico analysis, which includes protein predictors and evolutionary conservation, supports a deleterious effect; Has not been previously published as pathogenic or benign to our knowledge

NM_014762.4(DHCR24):c.463G>A (p.Val155Met)

Gene: DHCR24 (24-dehydrocholesterol reductase; minus strand). Cytogenetic location: 1p32.3.
Variant type: single nucleotide variant.
Coding change: c.463G>A on transcript NM_014762.4 (MANE Select); coding-DNA position 463, G replaced by A.
Protein change: p.Val155Met; replaces valine 155 with methionine.
Molecular consequence: missense variant.
Genome position (GRCh38, 1-based): chr1:54,875,972, C>T on the plus strand (G>A on the coding strand, the complement: DHCR24 is on the minus strand). VCF-style: chr1-54875972-C-T. GRCh37 (hg19) VCF-style: chr1-55341645-C-T.
Other names: short protein forms V155M.
Identifiers: ClinVar variation 1310018 (VCV001310018.10), dbSNP rs138933459, ClinGen allele CA870825.